The following is an entry in ClinVar:

NM_014363.6(SACS):c.463delinsCTCTCTATGTGTACA (p.Ala155fs)

Gene: SACS (sacsin molecular chaperone; minus strand). Cytogenetic location: 13q12.12.
Variant type: Indel.
Coding change: c.463delinsCTCTCTATGTGTACA on transcript NM_014363.6 (MANE Select); coding-DNA position 463, G replaced by CTCTCTATGTGTACA.
Protein change: p.Ala155fs; shifts the reading frame from alanine 155.
Molecular consequence: frameshift variant.
Genome position (GRCh38, 1-based): chr13:23,358,476, C replaced by TGTACACATAGAGAG on the plus strand (G replaced by CTCTCTATGTGTACA on the coding strand, the reverse complement: SACS is on the minus strand). VCF-style: chr13-23358476-C-TGTACACATAGAGAG. GRCh37 (hg19) VCF-style: chr13-23932615-C-TGTACACATAGAGAG.
Other names: c.22delinsCTCTCTATGTGTACA, p.Ala8fs (NM_001278055.2); c.463delinsCTCTCTATGTGTACA, p.Ala155fs (NM_001437336.1); short protein forms A155fs, A8fs.
Identifiers: ClinVar variation 4815695 (VCV004815695.1).

ClinVar aggregate classification (germline): Likely pathogenic (1 of 4 stars; one submission).

Conditions:
Charlevoix-Saguenay spastic ataxia (SACS). Also called: AUTOSOMAL RECESSIVE SPASTIC ATAXIA OF CHARLEVOIX-SAGUENAY; Spastic ataxia of Charlevoix-Saguenay; SPASTIC ATAXIA 6, AUTOSOMAL RECESSIVE. Identifiers: Orphanet 98, MedGen C1849140, MONDO:0010041, OMIM 270550.

Submission:

Natera, Inc.
Classification: Likely pathogenic for Charlevoix-Saguenay type spastic ataxia. Last evaluated: 2025-12-16. Review status: criteria provided, single submitter. Criteria: Natera Variant Classification Schema (03/2026). Collection method: clinical testing. Allele origin: germline.
Comment: The c.463delinsCTCTCTATGTGTACA variant in SACS is a frameshift variant predicted to shift the reading frame beginning at codon 155 and leads to a stop codon 26 codons downstream. This variant is expected to result in nonsense mediated decay, truncation, or a dysfunctional protein product. This variant is rare in the general population with a frequency below the threshold expected for the associated phenotype(s). Given the available evidence, this variant is classified as Likely Pathogenic.